The following is an entry in ClinVar:

NM_014795.4(ZEB2):c.2934_2938del (p.Met979fs)

Gene: ZEB2 (zinc finger E-box binding homeobox 2; minus strand). Cytogenetic location: 2q22.3.
Variant type: Deletion.
Coding change: c.2934_2938del on transcript NM_014795.4 (MANE Select); coding-DNA positions 2934 to 2938, 5 bases deleted (TATGA; older notation c.2934_2938delTATGA).
Protein change: p.Met979fs; shifts the reading frame from methionine 979.
Molecular consequence: frameshift variant.
Genome position (GRCh38, 1-based): chr2:144,396,541-144,396,545, TCATA deleted on the plus strand (TATGA on the coding strand, the reverse complement: ZEB2 is on the minus strand); deleting any 5 consecutive bases within chr2:144,396,541-144,396,549 gives the same sequence; the c. name uses the placement nearest the transcript's 3' end. VCF-style (leftmost placement, unchanged base first): chr2-144396540-GTCATA-G. GRCh37 (hg19) VCF-style: chr2-145154107-GTCATA-G.
Other names: c.2862_2866del, p.Met955fs (NM_001171653.2); short protein forms M955fs, M979fs.
Identifiers: ClinVar variation 3775935 (VCV003775935.1).
Genomic context (GRCh38, chr2:144,396,540, plus strand): 5'-GCATACATGCCACTCTCTGTCTTCTTGATCTTTTTGCGAGACAGACAGGAGTCGGAGTCT[GTCATA>G]TCATCTAGGCCTGACATGTAGTCTTGTGCTCCATCAAGCAATTCTCCCTGCGATAGAATC-3'

ClinVar aggregate classification (germline): Likely pathogenic (1 of 4 stars; one submission).

Conditions:
Mowat-Wilson syndrome (MOWS). Also called: Classic Mowat-Wilson Syndrome. Identifiers: Orphanet 2152, MedGen C1856113, MONDO:0009341, OMIM 235730.

Submission:

3billion
Classification: Likely pathogenic for Mowat-Wilson syndrome. Last evaluated: 2024-01-29. Review status: criteria provided, single submitter. Criteria: ACMG Guidelines, 2015. Collection method: clinical testing. Allele origin: germline. Affected: yes.
Comment: The variant is not observed in the gnomAD v2.1.1 dataset. Predicted Consequence/Location: Frameshift: predicted to result in a loss or disruption of normal protein function through nonsense-mediated decay (NMD) or protein truncation. Multiple pathogenic variants are reported downstream of the variant. Therefore, this variant is classified as Likely pathogenic according to the recommendation of ACMG/AMP guideline.